The following is an entry in ClinVar:

NM_004100.5(EYA4):c.1747A>G (p.Ser583Gly)

Genes: TARID (TCF21 antisense RNA inducing promoter demethylation; minus strand), EYA4 (EYA transcriptional coactivator and phosphatase 4; plus strand). Cytogenetic location: 6q23.2.
Variant type: single nucleotide variant.
Coding change: c.1747A>G on transcript NM_004100.5 (MANE Select); coding-DNA position 1747, A replaced by G.
Protein change: p.Ser583Gly; replaces serine 583 with glycine.
Molecular consequence: missense variant. On other transcripts: intron variant (3).
Genome position (GRCh38, 1-based): chr6:133,525,162, A>G. VCF-style: chr6-133525162-A-G. GRCh37 (hg19) VCF-style: chr6-133846300-A-G.
Other names: c.1765A>G, p.Ser589Gly (NM_001301013.2); c.1603A>G, p.Ser535Gly (NM_001370459.1); c.1678A>G, p.Ser560Gly (NM_172103.4); c.1839+47A>G (NM_172105.4); c.1770+47A>G (NM_001370458.1); c.1677+47A>G (NM_001301012.2); short protein forms S560G, S589G, S535G, S583G.
Identifiers: ClinVar variation 2110939 (VCV002110939.4), dbSNP rs2535524532, ClinGen allele CA365700438.

ClinVar aggregate classification (germline): Uncertain significance (1 of 4 stars; one submission).

Conditions:
Dilated cardiomyopathy 1J (CMD1J). Also called: CARDIOMYOPATHY, DILATED, WITH SENSORINEURAL HEARING LOSS, AUTOSOMAL DOMINANT. Identifiers: Orphanet 217622, MedGen C1854368, MONDO:0011541, OMIM 605362.

Submission:

Labcorp Genetics (formerly Invitae), Labcorp
Classification: Uncertain significance for Dilated cardiomyopathy 1J. Last evaluated: 2023-12-11. Review status: criteria provided, single submitter. Criteria: Invitae Variant Classification Sherloc (09022015). Collection method: clinical testing. Allele origin: germline.
Comment: This sequence change replaces serine, which is neutral and polar, with glycine, which is neutral and non-polar, at codon 583 of the EYA4 protein (p.Ser583Gly). This variant is not present in population databases (gnomAD no frequency). This variant has not been reported in the literature in individuals affected with EYA4-related conditions. ClinVar contains an entry for this variant (Variation ID: 2110939). Advanced modeling of protein sequence and biophysical properties (such as structural, functional, and spatial information, amino acid conservation, physicochemical variation, residue mobility, and thermodynamic stability) has been performed at Invitae for this missense variant, however the output from this modeling did not meet the statistical confidence thresholds required to predict the impact of this variant on EYA4 protein function. In summary, the available evidence is currently insufficient to determine the role of this variant in disease. Therefore, it has been classified as a Variant of Uncertain Significance.